The following is an entry in ClinVar:

NM_000477.7(ALB):c.*102_*108del

Gene: ALB (albumin; plus strand). Cytogenetic location: 4q13.3.
Variant type: Deletion.
Coding change: c.*102_*108del on transcript NM_000477.7 (MANE Select); 102 bases downstream of the stop codon through 108 bases downstream of the stop codon, 7 bases deleted (AACACCC; older notation c.*102_*108delAACACCC).
Molecular consequence: 3 prime UTR variant.
Genome position (GRCh38, 1-based): chr4:73,421,170-73,421,176, AACACCC deleted; deleting any 7 consecutive bases within chr4:73,421,168-73,421,176 gives the same sequence; the c. name uses the placement nearest the transcript's 3' end. VCF-style (leftmost placement, unchanged base first): chr4-73421167-GCCAACAC-G. GRCh37 (hg19) VCF-style: chr4-74286884-GCCAACAC-G.
Identifiers: ClinVar variation 1098307 (VCV001098307.4), dbSNP rs750893435, ClinGen allele CA2959774.
Genomic context (GRCh38, chr4:73,421,167, plus strand): 5'-AGAGAAAGAAAATGAAGATCAAAAGCTTATTCATCTGTTTTTCTTTTTCGTTGGTGTAAA[GCCAACAC>G]CCTGTCTAAAAAACATAAATTTCTTTAATCATTTTGCCTCTTTTCTCTGTGCTTCAATTA-3'

ClinVar aggregate classification (germline): Uncertain significance. Review status: criteria provided, single submitter (1 of 4 stars). 2 submissions from 2 submitters: Uncertain significance (1). 1 of the submissions does not count toward it. Last evaluated 2024-08-27.

Conditions:
Hyperthyroxinemia, familial dysalbuminemic (FDAH). Also called: EUTHYROID HYPERTHYROXINEMIA 1. Identifiers: MedGen C0342185, MONDO:0014448, OMIM 615999.
Analbuminemia (ANALBA). Also called: Analbuminemia, American Indian type; Analbuminemia, Vancouver. Identifiers: Orphanet 86816, MedGen C0878666, OMIM 616000.

Submissions (2):

3billion
Classification: Uncertain significance for Hyperthyroxinemia, familial dysalbuminemic. Last evaluated: 2024-08-27. Review status: criteria provided, single submitter. Criteria: ACMG Guidelines, 2015. Collection method: clinical testing. Allele origin: germline. Affected: yes.
Comment: The variant is observed at an extremely low frequency in the gnomAD v4.0.0 dataset (total allele frequency: 0.039%). Predicted Consequence/Location: 3' UTR variant The variant has been reported to be associated with ALB related disorder (ClinVar ID: VCV001098307). However, the evidence of pathogenicity is insufficient at this time. Therefore, this variant is classified as VUS according to the recommendation of ACMG/AMP guideline.

Biochemistry Laboratory, Bechir Hamza Children's Hospital
Classification: Pathogenic for Analbuminemia. Review status: no assertion criteria provided. Collection method: research. Allele origin: germline. Inheritance: Autosomal recessive inheritance. Affected: yes. Observed: 1 variant allele, 1 compound heterozygote. Not counted in ClinVar's aggregate classification.
Comment: Automated capillary electrophoresis of serum proteins confirmed the presence of a similarly low albumin concentration ( 5 g/L).